The following is an entry in ClinVar:

NM_000363.5(TNNI3):c.123C>G (p.Ile41Met)

Gene: TNNI3 (troponin I3, cardiac type; minus strand). Cytogenetic location: 19q13.42.
Variant type: single nucleotide variant.
Coding change: c.123C>G on transcript NM_000363.5 (MANE Select); coding-DNA position 123, C replaced by G.
Protein change: p.Ile41Met; replaces isoleucine 41 with methionine.
Molecular consequence: missense variant.
Genome position (GRCh38, 1-based): chr19:55,156,630, G>C on the plus strand (C>G on the coding strand, the complement: TNNI3 is on the minus strand). VCF-style: chr19-55156630-G-C. GRCh37 (hg19) VCF-style: chr19-55667998-G-C.
Other names: short protein forms I41M.
Identifiers: ClinVar variation 1450881 (VCV001450881.10), dbSNP rs1311862702, ClinGen allele CA407442444.

ClinVar aggregate classification (germline): Uncertain significance. Review status: criteria provided, multiple submitters, no conflicts (2 of 4 stars). 2 submissions from 2 submitters: Uncertain significance (2). Last evaluated 2024-08-13.

Conditions:
Hypertrophic cardiomyopathy. Also called: HYPERTROPHIC MYOCARDIOPATHY. Identifiers: Orphanet 217569, MedGen C0007194, MeSH D002312, MONDO:0005045, HP:0001639.

Submissions (2):

Labcorp Genetics (formerly Invitae), Labcorp
Classification: Uncertain significance for Hypertrophic cardiomyopathy. Last evaluated: 2024-08-13. Review status: criteria provided, single submitter. Criteria: Invitae Variant Classification Sherloc (09022015). Collection method: clinical testing. Allele origin: germline.
Comment: This sequence change replaces isoleucine, which is neutral and non-polar, with methionine, which is neutral and non-polar, at codon 41 of the TNNI3 protein (p.Ile41Met). This variant is not present in population databases (gnomAD no frequency). This variant has not been reported in the literature in individuals affected with TNNI3-related conditions. ClinVar contains an entry for this variant (Variation ID: 1450881). An algorithm developed to predict the effect of missense changes on protein structure and function (PolyPhen-2) suggests that this variant is likely to be tolerated. In summary, the available evidence is currently insufficient to determine the role of this variant in disease. Therefore, it has been classified as a Variant of Uncertain Significance.

Revvity Omics, Revvity
Classification: Uncertain significance. Last evaluated: 2022-03-10. Review status: criteria provided, single submitter. Criteria: ACMG Guidelines, 2015. Collection method: clinical testing. Allele origin: germline.